The following is an entry in ClinVar:

ClinVar aggregate classification (germline): Uncertain significance. Review status: criteria provided, multiple submitters, no conflicts (2 of 4 stars). 2 submissions from 2 submitters: Uncertain significance (2). Last evaluated 2024-01-22.

Conditions:
Cystinuria (CSNU). Also called: Cystinuria, non-type I; CYSTINURIA, TYPE I; CYSTINURIA, TYPE II; CYSTINURIA, TYPE III. Identifiers: Orphanet 214, MedGen C0010691, MONDO:0009067, OMIM 220100, HP:0003131.

Allele frequency attached by ClinVar (database versions not stated): ESP Exome Variant Server 0.00062; 1000 Genomes Project 0.00040; 1000 Genomes Project 30x 0.00047.
gnomAD v4.1: 112 of 1,614,224 alleles (0.0069%); highest among the groups gnomAD compares: African/African-American, 0.14%; no homozygotes.

Submissions (2):

Fulgent Genetics
Classification: Uncertain significance for Cystinuria. Last evaluated: 2024-01-22. Review status: criteria provided, single submitter. Criteria: ACMG Guidelines, 2015. Collection method: clinical testing. Allele origin: germline.

Labcorp Genetics (formerly Invitae), Labcorp
Classification: Uncertain significance for Cystinuria. Last evaluated: 2021-06-29. Review status: criteria provided, single submitter. Criteria: Invitae Variant Classification Sherloc (09022015). Collection method: clinical testing. Allele origin: germline.
Comment: This sequence change replaces valine with alanine at codon 97 of the SLC3A1 protein (p.Val97Ala). The valine residue is weakly conserved and there is a small physicochemical difference between valine and alanine. This variant is present in population databases (rs147701210, ExAC 0.1%). This variant has not been reported in the literature in individuals with SLC3A1-related conditions. Algorithms developed to predict the effect of missense changes on protein structure and function (SIFT, PolyPhen-2, Align-GVGD) all suggest that this variant is likely to be tolerated, but these predictions have not been confirmed by published functional studies and their clinical significance is uncertain. In summary, the available evidence is currently insufficient to determine the role of this variant in disease. Therefore, it has been classified as a Variant of Uncertain Significance.

NM_000341.4(SLC3A1):c.290T>C (p.Val97Ala)

Gene: SLC3A1 (solute carrier family 3 member 1; plus strand). Cytogenetic location: 2p21.
Variant type: single nucleotide variant.
Coding change: c.290T>C on transcript NM_000341.4 (MANE Select); coding-DNA position 290, T replaced by C.
Protein change: p.Val97Ala; replaces valine 97 with alanine.
Molecular consequence: missense variant.
Genome position (GRCh38, 1-based): chr2:44,275,825, T>C. VCF-style: chr2-44275825-T-C. GRCh37 (hg19) VCF-style: chr2-44502964-T-C.
Other names: short protein forms V97A.
Identifiers: ClinVar variation 1353812 (VCV001353812.8), dbSNP rs147701210, ClinGen allele CA1640075.
Genomic context (GRCh38, chr2:44,275,825, plus strand): 5'-CTGGCCAGGCCCGCTACCGCATACCTCGGGAGATCCTCTTCTGGCTCACAGTGGCTTCTG[T>C]GCTGGTGCTCATCGCGGCCACCATAGCCATCATTGCCCTCTCTCCAAAGTGCCTAGACTG-3'
Protein context (NP_000332.2, residues 87-107): EILFWLTVAS[Val97Ala]LVLIAATIAI